The following is an entry in ClinVar:

NM_024652.6(LRRK1):c.1896A>G (p.Lys632=)

Gene: LRRK1 (leucine rich repeat kinase 1; plus strand). Cytogenetic location: 15q26.3.
Variant type: single nucleotide variant.
Coding change: c.1896A>G on transcript NM_024652.6 (MANE Select); coding-DNA position 1896, A replaced by G.
Protein change: p.Lys632=; no amino-acid change (lysine 632 retained).
Molecular consequence: synonymous variant.
Genome position (GRCh38, 1-based): chr15:101,022,426, A>G. VCF-style: chr15-101022426-A-G. GRCh37 (hg19) VCF-style: chr15-101562631-A-G.
Other names: c.1896A>G (NM_024652.5).
Identifiers: ClinVar variation 1654890 (VCV001654890.11), dbSNP rs41381646, ClinGen allele CA7761066.

ClinVar aggregate classification (germline): Benign. Review status: criteria provided, multiple submitters, no conflicts (2 of 4 stars). 3 submissions from 3 submitters: Benign (2). 1 of the submissions does not count toward it. Last evaluated 2026-01-26.

Conditions:
LRRK1-related disorder. Also called: LRRK1-related condition.

Allele frequency attached by ClinVar (database versions not stated): gnomAD exomes 0.01006 and 0.01455; ExAC 0.01506; gnomAD 0.03329 and 0.03545; 1000 Genomes Project 0.03435; 1000 Genomes Project 30x 0.03592; ESP Exome Variant Server 0.03727; TOPMed 0.03817.
gnomAD v4.1: 20,236 of 1,614,202 alleles (1.3%); highest among the groups gnomAD compares: African/African-American, 9.2%; 418 homozygotes.

Submissions (3):

Labcorp Genetics (formerly Invitae), Labcorp
Classification: Benign. Last evaluated: 2026-01-26. Review status: criteria provided, single submitter. Criteria: Invitae Variant Classification Sherloc (09022015). Collection method: clinical testing. Allele origin: germline.

Breakthrough Genomics
Classification: Benign. Review status: criteria provided, single submitter. Criteria: ACMG Guidelines, 2015. Collection method: not provided. Allele origin: germline. Inheritance: Autosomal recessive inheritance. Affected: yes.

PreventionGenetics, part of Exact Sciences
Classification: Benign for LRRK1-related condition. Last evaluated: 2019-05-01. Review status: no assertion criteria provided. Collection method: clinical testing. Allele origin: germline. Not counted in ClinVar's aggregate classification.
Comment: This variant is classified as benign based on ACMG/AMP sequence variant interpretation guidelines (Richards et al. 2015 PMID: 25741868, with internal and published modifications).